The following is an entry in ClinVar:

NM_001267550.2(TTN):c.62519G>A (p.Gly20840Asp)

Genes: TTN (titin; minus strand), TTN-AS1 (TTN antisense RNA 1; plus strand). Cytogenetic location: 2q31.2.
Variant type: single nucleotide variant.
Coding change: c.62519G>A on transcript NM_001267550.2 (MANE Select); coding-DNA position 62519, G replaced by A.
Protein change: p.Gly20840Asp; replaces glycine 20840 with aspartic acid.
Molecular consequence: missense variant.
Genome position (GRCh38, 1-based): chr2:178,589,206, C>T on the plus strand (G>A on the coding strand, the complement: TTN is on the minus strand). VCF-style: chr2-178589206-C-T. GRCh37 (hg19) VCF-style: chr2-179453933-C-T.
Other names: c.57596G>A, p.Gly19199Asp (NM_001256850.1); c.35324G>A, p.Gly11775Asp (NM_003319.4); c.54815G>A, p.Gly18272Asp (NM_133378.4); c.35699G>A, p.Gly11900Asp (NM_133432.3); c.35900G>A, p.Gly11967Asp (NM_133437.4); short protein forms G11775D, G11900D, G11967D, G18272D, G19199D, G20840D.
Identifiers: ClinVar variation 3893651 (VCV003893651.1).
Genomic context (GRCh38, chr2:178,589,206, plus strand): 5'-TTGACAGTGGCATAGGCCACAAAACTGCCAGCCGTGTTAGTTGCCGTAACTACATATTTA[C>T]CCCCATCACTTCGCTTTGCTTTAGTAAGAGAAAATTTAGATGAATCAGCACGGGTATCAA-3'
Protein context (NP_001254479.2, residues 20830-20850): SLTKAKRSDG[Gly20840Asp]KYVVTATNTA

ClinVar aggregate classification (germline): Uncertain significance (1 of 4 stars; one submission).

gnomAD v4.1: 5 of 1,613,510 alleles (0.00031%); highest among the groups gnomAD compares: Admixed American, 0.0067%; no homozygotes.

Submission:

GeneDx
Classification: Uncertain significance. Last evaluated: 2024-10-28. Review status: criteria provided, single submitter. Criteria: GeneDx Variant Classification Process June 2021. Collection method: clinical testing. Allele origin: germline. Affected: yes.
Comment: Not observed at significant frequency in large population cohorts (gnomAD); Missense variant in a gene in which most reported pathogenic variants are truncating/loss of function; Has not been previously published as pathogenic or benign to our knowledge; This variant is associated with the following publications: (PMID: 23975875)